The following is an entry in ClinVar:

ClinVar aggregate classification (germline): Likely benign (1 of 4 stars; one submission).

gnomAD v4.1: 1 of 1,550,720 alleles (0.000064%); no homozygotes.

Submission:

CeGaT Center for Human Genetics Tuebingen
Classification: Likely benign. Last evaluated: 2026-04-01. Review status: criteria provided, single submitter. Criteria: CeGaT Center For Human Genetics Tuebingen Variant Classification Criteria Version 2. Collection method: clinical testing. Allele origin: germline. Affected: yes. Observed: 1 variant allele.
Comment: COL5A1: BP4, BP7

NM_000093.5(COL5A1):c.4002C>G (p.Pro1334=)

Gene: COL5A1 (collagen type V alpha 1 chain; plus strand). Cytogenetic location: 9q34.3.
Variant type: single nucleotide variant.
Coding change: c.4002C>G on transcript NM_000093.5 (MANE Select); coding-DNA position 4002, C replaced by G.
Protein change: p.Pro1334=; no amino-acid change (proline 1334 retained).
Molecular consequence: synonymous variant.
Genome position (GRCh38, 1-based): chr9:134,814,892, C>G. VCF-style: chr9-134814892-C-G. GRCh37 (hg19) VCF-style: chr9-137706738-C-G.
Other names: c.4002C>G, p.Pro1334= (NM_001278074.1).
Identifiers: ClinVar variation 4873683 (VCV004873683.2).
Genomic context (GRCh38, chr9:134,814,892, plus strand): 5'-AGGCCCTTCAGGTGCTGCCGGACCCCCTGGACCCAAAGGCCCTCCCGGAGATGATGGTCC[C>G]AAAGGCAGCCCTGTGAGTATTCCAGACACACCTCAGGGGCCCTGCAGCAGGGGCGGGGCT-3'
Protein context (NP_000084.3, residues 1324-1344): GPKGPPGDDG[Pro1334=]KGSPGPVGFP